The following is an entry in ClinVar:

ClinVar aggregate classification (germline): Uncertain significance. Review status: criteria provided, multiple submitters, no conflicts (2 of 4 stars). 2 submissions from 2 submitters: Uncertain significance (2). Last evaluated 2024-02-08.

Submissions (2):

Women's Health and Genetics/Laboratory Corporation of America, LabCorp
Classification: Uncertain significance. Last evaluated: 2024-02-08. Review status: criteria provided, single submitter. Criteria: LabCorp Variant Classification Summary - May 2015. Collection method: clinical testing. Allele origin: germline.
Comment: Variant summary: MED12L c.2110C>T (p.His704Tyr) results in a conservative amino acid change located in the Mediator complex, subunit Med12, LCEWAV-domain (IPR021990) of the encoded protein sequence. Four of five in-silico tools predict a damaging effect of the variant on protein function. The variant was absent in 251270 control chromosomes. The available data on variant occurrences in the general population are insufficient to allow any conclusion about variant significance. To our knowledge, no occurrence of c.2110C>T in individuals affected with Nizon-Isidor Syndrome and no experimental evidence demonstrating its impact on protein function have been reported. ClinVar contains an entry for this variant (Variation ID: 1320707). Based on the evidence outlined above, the variant was classified as uncertain significance.

GeneDx
Classification: Uncertain significance. Last evaluated: 2021-04-05. Review status: criteria provided, single submitter. Criteria: GeneDx Variant Classification Process June 2021. Collection method: clinical testing. Allele origin: germline. Affected: yes.
Comment: Not observed in large population cohorts (Lek et al., 2016); In silico analysis supports that this missense variant has a deleterious effect on protein structure/function; Has not been previously published as pathogenic or benign to our knowledge

NM_001393769.1(MED12L):c.2215C>T (p.His739Tyr)

Gene: MED12L (mediator complex subunit 12L; plus strand). Cytogenetic location: 3q25.1.
Variant type: single nucleotide variant.
Coding change: c.2215C>T on transcript NM_001393769.1 (MANE Select); coding-DNA position 2215, C replaced by T.
Protein change: p.His739Tyr; replaces histidine 739 with tyrosine.
Molecular consequence: missense variant.
Genome position (GRCh38, 1-based): chr3:151,193,631, C>T. VCF-style: chr3-151193631-C-T. GRCh37 (hg19) VCF-style: chr3-150911418-C-T.
Other names: c.2110C>T, p.His704Tyr (NM_053002.6); short protein forms H704Y, H739Y.
Identifiers: ClinVar variation 1320707 (VCV001320707.4), dbSNP rs2149108285, ClinGen allele CA354962013.